The following is an entry in ClinVar:

NM_000038.6(APC):c.8335G>A (p.Ala2779Thr)

Gene: APC (APC regulator of Wnt signaling pathway; plus strand). Cytogenetic location: 5q22.2.
Variant type: single nucleotide variant.
Coding change: c.8335G>A on transcript NM_000038.6 (MANE Select); coding-DNA position 8335, G replaced by A.
Protein change: p.Ala2779Thr; replaces alanine 2779 with threonine.
Molecular consequence: missense variant.
Genome position (GRCh38, 1-based): chr5:112,843,929, G>A. VCF-style: chr5-112843929-G-A. GRCh37 (hg19) VCF-style: chr5-112179626-G-A.
Other names: c.8335G>A, p.Ala2779Thr (NM_001127510.3, NM_001354895.2); c.8281G>A, p.Ala2761Thr (NM_001127511.3); c.8389G>A, p.Ala2797Thr (NM_001354896.2); c.8365G>A, p.Ala2789Thr (NM_001354897.2); c.8260G>A, p.Ala2754Thr (NM_001354898.2); c.8251G>A, p.Ala2751Thr (NM_001354899.2); c.8212G>A, p.Ala2738Thr (NM_001354900.2); c.8158G>A, p.Ala2720Thr (NM_001354901.2); and 5 more; short protein forms A2496T, A2738T, A2789T, A2779T, A2797T, A2653T, A2720T, A2751T.
Identifiers: ClinVar variation 922185 (VCV000922185.4), dbSNP rs1766716499, ClinGen allele CA16039415.

ClinVar aggregate classification (germline): Uncertain significance (1 of 4 stars; one submission).

Conditions:
Hereditary cancer-predisposing syndrome. Also called: Neoplastic Syndromes, Hereditary; Tumor predisposition; Hereditary Cancer Syndrome; Hereditary neoplastic syndrome. Identifiers: Orphanet 140162, MedGen C0027672, MeSH D009386, MONDO:0015356.

Submission:

Color Diagnostics, LLC DBA Color Health
Classification: Uncertain significance for Hereditary cancer-predisposing syndrome. Last evaluated: 2023-12-04. Review status: criteria provided, single submitter. Criteria: ACMG Guidelines, 2015. Collection method: clinical testing. Allele origin: germline.
Comment: This missense variant replaces alanine with threonine at codon 2779 of the APC protein. Computational prediction is inconclusive regarding the impact of this variant on protein structure and function (internally defined REVEL score threshold 0.5 < inconclusive < 0.7, PMID: 27666373). To our knowledge, functional studies have not been reported for this variant. This variant has not been reported in individuals affected with APC-related disorders in the literature. This variant has not been identified in the general population by the Genome Aggregation Database (gnomAD). The available evidence is insufficient to determine the role of this variant in disease conclusively. Therefore, this variant is classified as a Variant of Uncertain Significance.